The following is an entry in ClinVar:

NM_016239.4(MYO15A):c.806C>T (p.Pro269Leu)

Gene: MYO15A (myosin XVA; plus strand). Cytogenetic location: 17p11.2.
Variant type: single nucleotide variant.
Coding change: c.806C>T on transcript NM_016239.4 (MANE Select); coding-DNA position 806, C replaced by T.
Protein change: p.Pro269Leu; replaces proline 269 with leucine.
Molecular consequence: missense variant.
Genome position (GRCh38, 1-based): chr17:18,119,606, C>T. VCF-style: chr17-18119606-C-T. GRCh37 (hg19) VCF-style: chr17-18022920-C-T.
Other names: short protein forms P269L.
Identifiers: ClinVar variation 1331107 (VCV001331107.4), dbSNP rs375005419, ClinGen allele CA8422937.

ClinVar aggregate classification (germline): Uncertain significance (1 of 4 stars; one submission).

Allele frequency attached by ClinVar (database versions not stated): gnomAD exomes 0.00005; TOPMed 0.00007; gnomAD 0.00008 and 0.00007; ESP Exome Variant Server 0.00016; ExAC 0.00004.
gnomAD v4.1: 105 of 1,603,776 alleles (0.0065%); highest among the groups gnomAD compares: Non-Finnish European, 0.0085%; no homozygotes.

Submission:

GeneDx
Classification: Uncertain significance. Last evaluated: 2026-09-17. Review status: criteria provided, single submitter. Criteria: GeneDx Variant Classification Process June 2021. Collection method: clinical testing. Allele origin: germline.
Comment: In silico analysis suggests that this missense variant does not alter protein structure/function; Has not been previously published as pathogenic or benign to our knowledge